The following is an entry in ClinVar:

NM_152564.5(VPS13B):c.8492C>G (p.Pro2831Arg)

Gene: VPS13B (vacuolar protein sorting 13 homolog B; plus strand). Cytogenetic location: 8q22.2.
Variant type: single nucleotide variant.
Coding change: c.8492C>G on transcript NM_152564.5 (MANE Select); coding-DNA position 8492, C replaced by G.
Protein change: p.Pro2831Arg; replaces proline 2831 with arginine.
Molecular consequence: missense variant.
Genome position (GRCh38, 1-based): chr8:99,818,759, C>G. VCF-style: chr8-99818759-C-G. GRCh37 (hg19) VCF-style: chr8-100830987-C-G.
Other names: c.8567C>G, p.Pro2856Arg (NM_017890.5); short protein forms P2831R, P2856R.
Identifiers: ClinVar variation 4199063 (VCV004199063.2).

ClinVar aggregate classification (germline): Uncertain significance. Review status: criteria provided, multiple submitters, no conflicts (2 of 4 stars). 2 submissions from 2 submitters: Uncertain significance (2). Last evaluated 2025-08-31.

Conditions:
VPS13B-related disorder. Also called: VPS13B-related condition.
Inborn genetic diseases. Identifiers: MedGen C0950123, MeSH D030342.

gnomAD v4.1: 1 of 1,613,786 alleles (0.000062%); highest among the groups gnomAD compares: African/African-American, 0.0013%; no homozygotes.

Submissions (2):

Ambry Genetics
Classification: Uncertain significance for Inborn genetic diseases. Last evaluated: 2025-08-31. Review status: criteria provided, single submitter. Criteria: Ambry Variant Classification Scheme 2023. Collection method: clinical testing. Allele origin: germline.

PreventionGenetics, part of Exact Sciences
Classification: Uncertain significance for VPS13B-related condition. Last evaluated: 2025-03-12. Review status: criteria provided, single submitter. Criteria: ACMG Guidelines, 2015. Collection method: clinical testing. Allele origin: germline.
Comment: The VPS13B c.8492C>G variant is predicted to result in the amino acid substitution p.Pro2831Arg. To our knowledge, this variant has not been reported in the literature or in a large population database (gnomAD), indicating this variant is rare. At this time, the clinical significance of this variant is uncertain due to the absence of conclusive functional and genetic evidence.